The following is an entry in ClinVar:

ClinVar aggregate classification (germline): Uncertain significance (1 of 4 stars; one submission).

gnomAD v4.1: 3 of 1,613,084 alleles (0.00019%); highest among the groups gnomAD compares: Non-Finnish European, 0.00025%; no homozygotes.

Submission:

Mayo Clinic Laboratories, Mayo Clinic
Classification: Uncertain significance. Last evaluated: 2024-07-23. Review status: criteria provided, single submitter. Criteria: ACMG Guidelines, 2015. Collection method: clinical testing. Allele origin: germline. Observed: 1 variant allele.
Comment: PM2

NM_033305.3(VPS13A):c.26A>G (p.Asp9Gly)

Genes: VPS13A (vacuolar protein sorting 13 homolog A; plus strand), VPS13A-AS1 (VPS13A antisense RNA 1; minus strand). Cytogenetic location: 9q21.2.
Variant type: single nucleotide variant.
Coding change: c.26A>G on transcript NM_033305.3 (MANE Select); coding-DNA position 26, A replaced by G.
Protein change: p.Asp9Gly; replaces aspartic acid 9 with glycine.
Molecular consequence: missense variant. On other transcripts: non-coding transcript variant (1).
Genome position (GRCh38, 1-based): chr9:77,177,730, A>G. VCF-style: chr9-77177730-A-G. GRCh37 (hg19) VCF-style: chr9-79792646-A-G.
Other names: p.Asp9Gly; c.26A>G, p.Asp9Gly (NM_001018037.2, NM_001018038.3, NM_015186.4); short protein forms D9G.
Identifiers: ClinVar variation 3379870 (VCV003379870.1).